The following is an entry in ClinVar:

ClinVar aggregate classification (germline): Uncertain significance (1 of 4 stars; one submission).

Conditions:
Familial adenomatous polyposis 1 (FAP1). Also called: FAMILIAL ADENOMATOUS POLYPOSIS 1, ATTENUATED; POLYPOSIS, ADENOMATOUS INTESTINAL. Identifiers: MedGen C2713442, MONDO:0021056, OMIM 175100. Disease mechanism: loss of function.

Submission:

Labcorp Genetics (formerly Invitae), Labcorp
Classification: Uncertain significance for Familial adenomatous polyposis 1. Last evaluated: 2023-02-26. Review status: criteria provided, single submitter. Criteria: Invitae Variant Classification Sherloc (09022015). Collection method: clinical testing. Allele origin: germline.
Comment: In summary, the available evidence is currently insufficient to determine the role of this variant in disease. Therefore, it has been classified as a Variant of Uncertain Significance. Advanced modeling of protein sequence and biophysical properties (such as structural, functional, and spatial information, amino acid conservation, physicochemical variation, residue mobility, and thermodynamic stability) performed at Invitae indicates that this missense variant is not expected to disrupt APC protein function. This variant has not been reported in the literature in individuals affected with APC-related conditions. This variant is not present in population databases (gnomAD no frequency). This sequence change replaces alanine, which is neutral and non-polar, with aspartic acid, which is acidic and polar, at codon 2800 of the APC protein (p.Ala2800Asp).

NM_000038.6(APC):c.8399C>A (p.Ala2800Asp)

Gene: APC (APC regulator of Wnt signaling pathway; plus strand). Cytogenetic location: 5q22.2.
Variant type: single nucleotide variant.
Coding change: c.8399C>A on transcript NM_000038.6 (MANE Select); coding-DNA position 8399, C replaced by A.
Protein change: p.Ala2800Asp; replaces alanine 2800 with aspartic acid.
Molecular consequence: missense variant. On other transcripts: non-coding transcript variant (2).
Genome position (GRCh38, 1-based): chr5:112,843,993, C>A. VCF-style: chr5-112843993-C-A. GRCh37 (hg19) VCF-style: chr5-112179690-C-A.
Other names: c.7919C>A, p.Ala2640Asp (NM_001354905.2); c.7550C>A, p.Ala2517Asp (NM_001354906.2, NM_001407470.1); c.8483C>A, p.Ala2828Asp (NM_001407446.1); c.8453C>A, p.Ala2818Asp (NM_001407448.1, NM_001407447.1, NM_001407449.1 and 1 more transcripts); c.8399C>A, p.Ala2800Asp (NM_001407450.1, NM_001127510.3, NM_001354895.2); c.8378C>A, p.Ala2793Asp (NM_001407451.1); c.8369C>A, p.Ala2790Asp (NM_001407452.1); c.8345C>A, p.Ala2782Asp (NM_001127511.3); and 11 more; short protein forms A2709D, A2717D, A2741D, A2759D, A2775D, A2793D, A2810D, A2828D.
Identifiers: ClinVar variation 2841181 (VCV002841181.3), dbSNP rs141024271, ClinGen allele CA16039561.